The following is an entry in ClinVar:

NM_000059.4(BRCA2):c.8548_8551del (p.Glu2850fs)

Gene: BRCA2 (BRCA2 DNA repair associated; plus strand). Cytogenetic location: 13q13.1.
Variant type: Deletion.
Coding change: c.8548_8551del on transcript NM_000059.4 (MANE Select); coding-DNA positions 8548 to 8551, 4 bases deleted (GAAG; older notation c.8548_8551delGAAG).
Protein change: p.Glu2850fs; shifts the reading frame from glutamic acid 2850.
Molecular consequence: frameshift variant.
Genome position (GRCh38, 1-based): chr13:32,371,016-32,371,019, GAAG deleted; deleting any 4 consecutive bases within chr13:32,371,013-32,371,019 gives the same sequence; the c. name uses the placement nearest the transcript's 3' end. VCF-style (leftmost placement, unchanged base first): chr13-32371012-AAAGG-A. GRCh37 (hg19) VCF-style: chr13-32945149-AAAGG-A.
Other names: 8776del4; c.8548_8551delGAAG (NM_000059.3).
Identifiers: ClinVar variation 38167 (VCV000038167.38), dbSNP rs397507406, ClinGen allele CA025705.
Genomic context (GRCh38, chr13:32,371,012, plus strand): 5'-ACAGTGGATGGAGAAGACATCATCTGGATTATACATATTTCGCAATGAAAGAGAGGAAGA[AAAGG>A]AAGCAGCAAAATATGTGGAGGCCCAACAAAAGAGACTAGAAGCCTTATTCACTAAAATTC-3'

ClinVar aggregate classification (germline): Pathogenic. Review status: reviewed by expert panel (3 of 4 stars). 15 submissions from 14 submitters: Pathogenic (1). 14 of the submissions do not count toward it. Last evaluated 2016-09-08.

Conditions:
Hereditary cancer-predisposing syndrome. Also called: Tumor predisposition; Neoplastic Syndromes, Hereditary; Hereditary Cancer Syndrome; Hereditary neoplastic syndrome. Identifiers: Orphanet 140162, MedGen C0027672, MeSH D009386, MONDO:0015356.
Hereditary breast ovarian cancer syndrome. Also called: Hereditary breast and ovarian cancer syndrome (HBOC); Hereditary breast and ovarian cancer; Hereditary breast and/or ovarian cancer syndrome; Hereditary breast and ovarian cancer syndrome; BRCA1- and BRCA2-Associated Hereditary Breast and Ovarian Cancer; Breast and ovarian cancer. Identifiers: Orphanet 145, MedGen C0677776, MeSH D061325, MONDO:0003582. Disease mechanism: loss of function.
Breast-ovarian cancer, familial, susceptibility to, 2 (BROVCA2). Also called: BRCA2 Hereditary Breast and Ovarian Cancer. Identifiers: Orphanet 145, MedGen C2675520, MONDO:0012933, OMIM 612555. Disease mechanism: loss of function.
Familial cancer of breast. Also called: hereditary breast carcinoma; BREAST CANCER, FAMILIAL; Hereditary breast cancer. Identifiers: Orphanet 227535, MedGen C0346153, MONDO:0016419, OMIM 114480. Disease mechanism: loss of function.

Submissions 1 to 10 of 15:

Evidence-based Network for the Interpretation of Germline Mutant Alleles (ENIGMA)
Classification: Pathogenic for Breast-ovarian cancer, familial, susceptibility to, 2. Last evaluated: 2016-09-08. Review status: reviewed by expert panel. Criteria: ENIGMA BRCA1/2 Classification Criteria (2015). Collection method: curation. Allele origin: germline.
Comment: Variant allele predicted to encode a truncated non-functional protein.

Institute of Human Genetics, FAU Erlangen, Friedrich-Alexander-Universität Erlangen-Nürnberg
Classification: Pathogenic. Last evaluated: 2025-12-04. Review status: criteria provided, single submitter. Criteria: Hauer et al. (Genet Med. 2018). Collection method: clinical testing. Allele origin: germline. Inheritance: Unknown mechanism. Affected: yes. Observed: 1 variant allele. Not counted in ClinVar's aggregate classification.
Comment: This variant has been identified by standard clinical testing. Selected ACMG criteria: Pathogenic (I):PP5;PM2;PVS1

Ambry Genetics
Classification: Pathogenic for Hereditary cancer-predisposing syndrome. Last evaluated: 2025-11-18. Review status: criteria provided, single submitter. Criteria: Ambry Variant Classification Scheme 2023. Collection method: clinical testing. Allele origin: germline. Not counted in ClinVar's aggregate classification.
Comment: The c.8548_8551delGAAG pathogenic mutation, located in coding exon 19 of the BRCA2 gene, results from a deletion of 4 nucleotides at positions 8548 to 8551, causing a translational frameshift with a predicted alternate stop codon (E2850Qfs*12). This variant was reported in individual(s) with features consistent with BRCA2-related cancer predisposition (Caux-Moncoutier V et al. Hum. Mutat. 2011 Mar; 32:325-34). This variant is considered to be rare based on population cohorts in the Genome Aggregation Database (gnomAD). This alteration is expected to result in loss of function by premature protein truncation or nonsense-mediated mRNA decay. As such, this alteration is interpreted as a disease-causing mutation.

Labcorp Genetics (formerly Invitae), Labcorp
Classification: Pathogenic for Hereditary breast ovarian cancer syndrome. Last evaluated: 2025-08-07. Review status: criteria provided, single submitter. Criteria: Invitae Variant Classification Sherloc (09022015). Collection method: clinical testing. Allele origin: germline. Not counted in ClinVar's aggregate classification.
Comment: This sequence change creates a premature translational stop signal (p.Glu2850Glnfs*12) in the BRCA2 gene. It is expected to result in an absent or disrupted protein product. Loss-of-function variants in BRCA2 are known to be pathogenic (PMID: 20104584). This variant is not present in population databases (gnomAD no frequency). This variant has not been reported in the literature in individuals affected with BRCA2-related conditions. ClinVar contains an entry for this variant (Variation ID: 38167). Algorithms developed to predict the effect of sequence changes on RNA splicing suggest that this variant may disrupt the consensus splice site. For these reasons, this variant has been classified as Pathogenic.

Variantyx, Inc.
Classification: Pathogenic for Breast-ovarian cancer, familial, susceptibility to, 2. Last evaluated: 2025-05-12. Review status: criteria provided, single submitter. Criteria: Variantyx Assertion Criteria 2022. Collection method: clinical testing. Allele origin: germline. Inheritance: Autosomal dominant inheritance. Affected: yes. Not counted in ClinVar's aggregate classification.
Comment: This is a frameshift variant in the BRCA2 gene (OMIM: 600185). Pathogenic variants in this gene have been associated with autosomal dominant susceptibility to familial breast-ovarian cancer 2. This variant introduces a premature termination codon in exon 20 out of 27 and is expected to result in loss of function, which is a known disease mechanism for BRCA2 in this disorder (PMID: 21120943) (PVS1). This truncating variant occurs in exon 20, where different proven pathogenic truncating variants have been seen before (PM5_Strong). This variant is absent from control populations (PM2). It has been reported in the heterozygous state in multiple unrelated affected individuals (PMID: 21120943, 25151137, 29907814, 30078507). Based on the current evidence, this variant is classified as pathogenic for autosomal dominant susceptibility to familial breast-ovarian cancer 2.

GeneDx
Classification: Pathogenic. Last evaluated: 2024-10-18. Review status: criteria provided, single submitter. Criteria: GeneDx Variant Classification Process June 2021. Collection method: clinical testing. Allele origin: germline. Affected: yes. Not counted in ClinVar's aggregate classification.
Comment: Frameshift variant predicted to result in protein truncation or nonsense mediated decay in a gene for which loss-of-function is a known mechanism of disease; Truncating variants in this gene are considered pathogenic by a well-established clinical consortium and/or database; Not observed at significant frequency in large population cohorts (gnomAD); Also known as 8776_8779delGAAG; This variant is associated with the following publications: (PMID: 32073954, 21120943, 29907814, 25151137, 30430080, 30078507, 31396961, 31825140, 33461583)

Baylor Genetics
Classification: Pathogenic for Familial cancer of breast. Last evaluated: 2024-03-17. Review status: criteria provided, single submitter. Criteria: ACMG Guidelines, 2015. Collection method: clinical testing. Allele origin: unknown. Not counted in ClinVar's aggregate classification.

Baylor Genetics
Classification: Pathogenic for Breast-ovarian cancer, familial, susceptibility to, 2. Last evaluated: 2024-03-13. Review status: criteria provided, single submitter. Criteria: ACMG Guidelines, 2015. Collection method: clinical testing. Allele origin: unknown. Not counted in ClinVar's aggregate classification.

All of Us Research Program, National Institutes of Health
Classification: Pathogenic for Breast-ovarian cancer, familial, susceptibility to, 2. Last evaluated: 2023-06-08. Review status: criteria provided, single submitter. Criteria: ACMG Guidelines, 2015. Collection method: clinical testing. Allele origin: germline. Inheritance: Autosomal dominant inheritance. Observed: 1 variant allele, 1 heterozygote. Not counted in ClinVar's aggregate classification.
Comment: This variant deletes 4 nucleotides in exon 20 of the BRCA2 gene, creating a frameshift and premature translation stop signal. This variant is expected to result in an absent or non-functional protein product. This variant is also known as 8776del4 based on Breast Cancer Information Core (BIC) nomenclature. This variant has been reported in individuals affected with breast and/or ovarian cancer, and in individuals from high-risk hereditary breast and ovarian cancer families (PMID: 21120943, 25151137, 29907814, 30078507). This variant has not been identified in the general population by the Genome Aggregation Database (gnomAD). Loss of BRCA2 function is a known mechanism of disease. Based on the available evidence, this variant is classified as Pathogenic.

This study involves interpretation of variants in research participants for the purpose of population health screening. Participant phenotype was not available at the time of variant classification. Additional details can be found in publication PMID: 35346344, PMCID: PMC8962531

Color Diagnostics, LLC DBA Color Health
Classification: Pathogenic for Hereditary cancer-predisposing syndrome. Last evaluated: 2023-05-08. Review status: criteria provided, single submitter. Criteria: ACMG Guidelines, 2015. Collection method: clinical testing. Allele origin: germline. Not counted in ClinVar's aggregate classification.
Comment: This variant deletes 4 nucleotides in exon 20 of the BRCA2 gene, creating a frameshift and premature translation stop signal. This variant is expected to result in an absent or non-functional protein product. This variant is also known as 8776del4 in the literature. This variant has been reported in individuals affected with breast and/or ovarian cancer, and in individuals from high-risk hereditary breast and ovarian cancer families (PMID: 21120943, 25151137, 29907814, 30078507). This variant has not been identified in the general population by the Genome Aggregation Database (gnomAD). Loss of BRCA2 function is a known mechanism of disease. Based on the available evidence, this variant is classified as Pathogenic.